The following is an entry in ClinVar:

NM_031935.3(HMCN1):c.14552G>A (p.Arg4851His)

Gene: HMCN1 (hemicentin 1; plus strand). Cytogenetic location: 1q31.1.
Variant type: single nucleotide variant.
Coding change: c.14552G>A on transcript NM_031935.3 (MANE Select); coding-DNA position 14552, G replaced by A.
Protein change: p.Arg4851His; replaces arginine 4851 with histidine.
Molecular consequence: missense variant.
Genome position (GRCh38, 1-based): chr1:186,145,867, G>A. VCF-style: chr1-186145867-G-A. GRCh37 (hg19) VCF-style: chr1-186114999-G-A.
Other names: short protein forms R4851H.
Identifiers: ClinVar variation 2070322 (VCV002070322.4), dbSNP rs371379852, ClinGen allele CA1294986.
Genomic context (GRCh38, chr1:186,145,867, plus strand): 5'-GAGGAGGTGAAAAGACTCGGAAGCGGCTGTGCGACCATCCTGTGCCAGTTAAAGGTGGCC[G>A]TCCCTGTCCCGGAGACACTACTCAGGTGACCAGGTGCAATGTACAAGCATGTCCAGGTAA-3'
Protein context (NP_114141.2, residues 4841-4861): CDHPVPVKGG[Arg4851His]PCPGDTTQVT

ClinVar aggregate classification (germline): Uncertain significance (1 of 4 stars; one submission).

Allele frequency attached by ClinVar (database versions not stated): ExAC 0.00003; gnomAD exomes 0.00003; ESP Exome Variant Server 0.00008; gnomAD 0.00008.
gnomAD v4.1: 60 of 1,613,888 alleles (0.0037%); highest among the groups gnomAD compares: Middle Eastern, 0.016%; no homozygotes.

Submission:

Labcorp Genetics (formerly Invitae), Labcorp
Classification: Uncertain significance. Last evaluated: 2025-09-02. Review status: criteria provided, single submitter. Criteria: Invitae Variant Classification Sherloc (09022015). Collection method: clinical testing. Allele origin: germline.
Comment: This sequence change replaces arginine, which is basic and polar, with histidine, which is basic and polar, at codon 4851 of the HMCN1 protein (p.Arg4851His). This variant is present in population databases (rs371379852, gnomAD 0.03%). This variant has not been reported in the literature in individuals affected with HMCN1-related conditions. ClinVar contains an entry for this variant (Variation ID: 2070322). An algorithm developed to predict the effect of missense changes on protein structure and function outputs the following: PolyPhen-2: "Probably Damaging". The histidine amino acid residue is found in multiple mammalian species, which suggests that this missense change does not adversely affect protein function. In summary, the available evidence is currently insufficient to determine the role of this variant in disease. Therefore, it has been classified as a Variant of Uncertain Significance.